The following is an entry in ClinVar:

ClinVar aggregate classification (germline): Pathogenic (1 of 4 stars; one submission).

Conditions:
LAMA2-related muscular dystrophy (LAMA2-RD). Also called: Laminin alpha 2-related dystrophy. Identifiers: MedGen C5679788, MONDO:0100228.

Submission:

Labcorp Genetics (formerly Invitae), Labcorp
Classification: Pathogenic for LAMA2-related muscular dystrophy. Last evaluated: 2023-02-01. Review status: criteria provided, single submitter. Criteria: Invitae Variant Classification Sherloc (09022015). Collection method: clinical testing. Allele origin: germline.
Comment: For these reasons, this variant has been classified as Pathogenic. This variant has not been reported in the literature in individuals affected with LAMA2-related conditions. This variant is present in population databases (no rsID available, gnomAD 0.0009%). This sequence change creates a premature translational stop signal (p.Ala2081Glufs*5) in the LAMA2 gene. It is expected to result in an absent or disrupted protein product. Loss-of-function variants in LAMA2 are known to be pathogenic (PMID: 18700894, 32904964).

Literature cited by the submitters: PubMed 18700894; PubMed 32904964.

NM_000426.4(LAMA2):c.6233_6236dup (p.Ala2081fs)

Genes: LAMA2 (laminin subunit alpha 2; plus strand), LOC123864065 (Sharpr-MPRA regulatory region 661; plus strand). Cytogenetic location: 6q22.33.
Variant type: Duplication.
Coding change: c.6233_6236dup on transcript NM_000426.4 (MANE Select); coding-DNA positions 6233 to 6236, 4 bases duplicated (AAAC; older notation c.6233_6236dupAAAC).
Protein change: p.Ala2081fs; shifts the reading frame from alanine 2081.
Molecular consequence: frameshift variant.
Genome position (GRCh38, 1-based): chr6:129,440,963-129,440,966, AAAC duplicated. VCF-style (leftmost placement, unchanged base first): chr6-129440962-A-AAAAC. GRCh37 (hg19) VCF-style: chr6-129762107-A-AAAAC.
Other names: c.6233_6236dup, p.Ala2081fs (NM_001079823.2); short protein forms A2081fs.
Identifiers: ClinVar variation 2810690 (VCV002810690.3), dbSNP rs1271214101, ClinGen allele CA570205780.